The following is an entry in ClinVar:

ClinVar aggregate classification (germline): Uncertain significance (1 of 4 stars; one submission).

Conditions:
Breast-ovarian cancer, familial, susceptibility to, 4. Identifiers: Orphanet 145, MedGen C3280345, MONDO:0013669, OMIM 614291.

Submission:

Labcorp Genetics (formerly Invitae), Labcorp
Classification: Uncertain significance for Breast-ovarian cancer, familial, susceptibility to, 4. Last evaluated: 2023-10-09. Review status: criteria provided, single submitter. Criteria: Invitae Variant Classification Sherloc (09022015). Collection method: clinical testing. Allele origin: germline.
Comment: This sequence change replaces glutamine, which is neutral and polar, with histidine, which is basic and polar, at codon 220 of the RAD51D protein (p.Gln220His). This variant is not present in population databases (gnomAD no frequency). This variant has not been reported in the literature in individuals affected with RAD51D-related conditions. Advanced modeling of protein sequence and biophysical properties (such as structural, functional, and spatial information, amino acid conservation, physicochemical variation, residue mobility, and thermodynamic stability) performed at Invitae indicates that this missense variant is not expected to disrupt RAD51D protein function. In summary, the available evidence is currently insufficient to determine the role of this variant in disease. Therefore, it has been classified as a Variant of Uncertain Significance.

NM_002878.4(RAD51D):c.660G>T (p.Gln220His)

Genes: RAD51L3-RFFL (RAD51L3-RFFL readthrough; minus strand), RAD51D (RAD51 paralog D; minus strand). Cytogenetic location: 17q12.
Variant type: single nucleotide variant.
Coding change: c.660G>T on transcript NM_002878.4 (MANE Select); coding-DNA position 660, G replaced by T.
Protein change: p.Gln220His; replaces glutamine 220 with histidine.
Molecular consequence: missense variant. On other transcripts: non-coding transcript variant (3).
Genome position (GRCh38, 1-based): chr17:35,103,461, C>A on the plus strand (G>T on the coding strand, the complement: RAD51D is on the minus strand). VCF-style: chr17-35103461-C-A. GRCh37 (hg19) VCF-style: chr17-33430480-C-A.
Other names: c.720G>T, p.Gln240His (NM_001142571.2); c.324G>T, p.Gln108His (NM_133629.3); short protein forms Q108H, Q220H, Q240H.
Identifiers: ClinVar variation 2767280 (VCV002767280.3), dbSNP rs2142420247, ClinGen allele CA399087842.
Genomic context (GRCh38, chr17:35,103,461, plus strand): 5'-GCTGGGAGGCGAGGTCACATTCCACTGGCCCCAGGCTCTGCCACATCACTCACCTTCCCT[C>A]TGCTGACCTCCCAGAAGTGGGGAAACCACCGCAGTGACCGAGTCCACAACCACCACCTTC-3'
Protein context (NP_002869.3, residues 210-230): AVVSPLLGGQ[Gln220His]REGLALMMQL